The following is an entry in ClinVar:

NM_012186.3(FOXE3):c.783C>G (p.Leu261=)

Genes: FOXE3 (forkhead box E3; plus strand), LINC01389 (long independently transcribed non-coding RNA 1389; minus strand). Cytogenetic location: 1p33.
Variant type: single nucleotide variant.
Coding change: c.783C>G on transcript NM_012186.3 (MANE Select); coding-DNA position 783, C replaced by G.
Protein change: p.Leu261=; no amino-acid change (leucine 261 retained).
Molecular consequence: synonymous variant.
Genome position (GRCh38, 1-based): chr1:47,417,098, C>G. VCF-style: chr1-47417098-C-G. GRCh37 (hg19) VCF-style: chr1-47882770-C-G.
Identifiers: ClinVar variation 4788067 (VCV004788067.1).

ClinVar aggregate classification (germline): Uncertain significance (1 of 4 stars; one submission).

Conditions:
Anterior segment dysgenesis. Also called: Ocular anterior segment dysgenesis. Identifiers: Orphanet 88632, MedGen C1862839, MONDO:0019503, HP:0007700.
Congenital primary aphakia. Also called: Anterior segment dysgenesis 2, multiple subtypes; ANTERIOR SEGMENT DYSGENESIS 2. Identifiers: Orphanet 83461, MedGen C1853230, MONDO:0012456, OMIM 610256.

Submission:

Labcorp Genetics (formerly Invitae), Labcorp
Classification: Uncertain significance for Anterior segment dysgenesis; Congenital primary aphakia. Last evaluated: 2025-12-26. Review status: criteria provided, single submitter. Criteria: Invitae Variant Classification Sherloc (09022015). Collection method: clinical testing. Allele origin: germline.
Comment: This sequence change affects codon 261 of the FOXE3 mRNA. It is a 'silent' change, meaning that it does not change the encoded amino acid sequence of the FOXE3 protein. This variant is not present in population databases (gnomAD no frequency). This variant has not been reported in the literature in individuals affected with FOXE3-related conditions. Experimental studies and prediction algorithms are not available or were not evaluated, and the effect of this variant on mRNA splicing is currently unknown. In summary, the available evidence is currently insufficient to determine the role of this variant in disease. Therefore, it has been classified as a Variant of Uncertain Significance.